The following is an entry in ClinVar:

ClinVar aggregate classification (germline): Uncertain significance (1 of 4 stars; one submission).

Allele frequency attached by ClinVar (database versions not stated): gnomAD exomes 0.00002; ExAC 0.00004; gnomAD 0.00004 and 0.00005; TOPMed 0.00004; 1000 Genomes Project 30x 0.00016; 1000 Genomes Project 0.00020.
gnomAD v4.1: 39 of 1,613,336 alleles (0.0024%); highest among the groups gnomAD compares: African/African-American, 0.015%; no homozygotes.

Submission:

Labcorp Genetics (formerly Invitae), Labcorp
Classification: Uncertain significance. Last evaluated: 2025-02-11. Review status: criteria provided, single submitter. Criteria: Invitae Variant Classification Sherloc (09022015). Collection method: clinical testing. Allele origin: germline.
Comment: This sequence change replaces glycine, which is neutral and non-polar, with arginine, which is basic and polar, at codon 255 of the TNNT3 protein (p.Gly255Arg). This variant is present in population databases (rs549267070, gnomAD 0.01%). This variant has not been reported in the literature in individuals affected with TNNT3-related conditions. ClinVar contains an entry for this variant (Variation ID: 1443346). An algorithm developed to predict the effect of missense changes on protein structure and function (PolyPhen-2) suggests that this variant is likely to be disruptive. In summary, the available evidence is currently insufficient to determine the role of this variant in disease. Therefore, it has been classified as a Variant of Uncertain Significance.

NM_006757.4(TNNT3):c.763G>A (p.Gly255Arg)

Gene: TNNT3 (troponin T3, fast skeletal type; plus strand). Cytogenetic location: 11p15.5.
Variant type: single nucleotide variant.
Coding change: c.763G>A on transcript NM_006757.4 (MANE Select); coding-DNA position 763, G replaced by A.
Protein change: p.Gly255Arg; replaces glycine 255 with arginine.
Molecular consequence: missense variant.
Genome position (GRCh38, 1-based): chr11:1,938,478, G>A. VCF-style: chr11-1938478-G-A. GRCh37 (hg19) VCF-style: chr11-1959708-G-A.
Other names: c.739G>A, p.Gly247Arg (NM_001042780.3, NM_001042782.3, NM_001297646.2 and 2 more transcripts); c.757G>A, p.Gly253Arg (NM_001042781.3, NM_001367842.1, NM_001367843.1); c.772G>A, p.Gly258Arg (NM_001363561.2, NM_001367847.1); c.796G>A, p.Gly266Arg (NM_001367846.1); c.760G>A, p.Gly254Arg (NM_001367848.1); c.751G>A, p.Gly251Arg (NM_001367849.1); c.706G>A, p.Gly236Arg (NM_001367850.1); c.559G>A, p.Gly187Arg (NM_001367851.1, NM_001367852.1); short protein forms G187R, G236R, G247R, G258R, G266R, G251R, G254R, G255R.
Identifiers: ClinVar variation 1443346 (VCV001443346.6), dbSNP rs549267070, ClinGen allele CA5816667.